The following is an entry in ClinVar:

ClinVar aggregate classification (germline): Uncertain significance. Review status: criteria provided, multiple submitters, no conflicts (2 of 4 stars). 2 submissions from 2 submitters: Uncertain significance (2). Last evaluated 2024-04-25.

Conditions:
Short-rib thoracic dysplasia 10 with or without polydactyly (SRTD10). Identifiers: Orphanet 474, MedGen C3810175, MONDO:0014284, OMIM 615630.
Retinitis pigmentosa 71 (RP71). Identifiers: Orphanet 791, MedGen C4225342, MONDO:0014618, OMIM 616394.
Bardet-Biedl syndrome 20. Identifiers: MedGen C4310707, MONDO:0023670, OMIM 619471, MONDO:0014926.

Allele frequency attached by ClinVar (database versions not stated): gnomAD exomes below 0.00001; ExAC 0.00001.
gnomAD v4.1: 5 of 1,610,086 alleles (0.00031%); highest among the groups gnomAD compares: Admixed American, 0.0034%; no homozygotes.

Submissions (2):

Fulgent Genetics
Classification: Uncertain significance for Short-rib thoracic dysplasia 10 with or without polydactyly; Retinitis pigmentosa 71; Bardet-Biedl syndrome 20. Last evaluated: 2024-04-25. Review status: criteria provided, single submitter. Criteria: ACMG Guidelines, 2015. Collection method: clinical testing. Allele origin: germline.

Labcorp Genetics (formerly Invitae), Labcorp
Classification: Uncertain significance for Retinitis pigmentosa 71; Short-rib thoracic dysplasia 10 with or without polydactyly. Last evaluated: 2022-06-10. Review status: criteria provided, single submitter. Criteria: Invitae Variant Classification Sherloc (09022015). Collection method: clinical testing. Allele origin: germline.
Comment: This variant has not been reported in the literature in individuals affected with IFT172-related conditions. In summary, the available evidence is currently insufficient to determine the role of this variant in disease. Therefore, it has been classified as a Variant of Uncertain Significance. Algorithms developed to predict the effect of sequence changes on RNA splicing suggest that this variant may create or strengthen a splice site. This variant is present in population databases (rs757627628, gnomAD 0.006%). This sequence change falls in intron 9 of the IFT172 gene. It does not directly change the encoded amino acid sequence of the IFT172 protein.

NM_015662.3(IFT172):c.909+11A>G

Gene: IFT172 (intraflagellar transport 172; minus strand). Cytogenetic location: 2p23.3.
Variant type: single nucleotide variant.
Coding change: c.909+11A>G on transcript NM_015662.3 (MANE Select); 11 bases into the intron after coding-DNA position 909, A replaced by G.
Molecular consequence: intron variant.
Genome position (GRCh38, 1-based): chr2:27,480,015, T>C on the plus strand (A>G on the coding strand, the complement: IFT172 is on the minus strand). VCF-style: chr2-27480015-T-C. GRCh37 (hg19) VCF-style: chr2-27702882-T-C.
Identifiers: ClinVar variation 2039214 (VCV002039214.5), dbSNP rs757627628, ClinGen allele CA1580838.